The following is an entry in ClinVar:

NM_000812.4(GABRB1):c.640G>A (p.Val214Ile)

Gene: GABRB1 (gamma-aminobutyric acid type A receptor subunit beta1; plus strand). Cytogenetic location: 4p12.
Variant type: single nucleotide variant.
Coding change: c.640G>A on transcript NM_000812.4 (MANE Select); coding-DNA position 640, G replaced by A.
Protein change: p.Val214Ile; replaces valine 214 with isoleucine.
Molecular consequence: missense variant.
Genome position (GRCh38, 1-based): chr4:47,403,413, G>A. VCF-style: chr4-47403413-G-A. GRCh37 (hg19) VCF-style: chr4-47405430-G-A.
Other names: short protein forms V214I.
Identifiers: ClinVar variation 1382768 (VCV001382768.6), dbSNP rs958039784, ClinGen allele CA97302081.

ClinVar aggregate classification (germline): Uncertain significance (1 of 4 stars; one submission).

Allele frequency attached by ClinVar (database versions not stated): gnomAD exomes below 0.00001; TOPMed below 0.00001.
gnomAD v4.1: 3 of 1,614,032 alleles (0.00019%); highest among the groups gnomAD compares: East Asian, 0.0022%; no homozygotes.

Submission:

Labcorp Genetics (formerly Invitae), Labcorp
Classification: Uncertain significance. Last evaluated: 2025-06-19. Review status: criteria provided, single submitter. Criteria: Invitae Variant Classification Sherloc (09022015). Collection method: clinical testing. Allele origin: germline.
Comment: This sequence change replaces valine, which is neutral and non-polar, with isoleucine, which is neutral and non-polar, at codon 214 of the GABRB1 protein (p.Val214Ile). The frequency data for this variant in the population databases is considered unreliable, as metrics indicate poor data quality at this position in the gnomAD database. This variant has not been reported in the literature in individuals affected with GABRB1-related conditions. ClinVar contains an entry for this variant (Variation ID: 1382768). Invitae Evidence Modeling of protein sequence and biophysical properties (such as structural, functional, and spatial information, amino acid conservation, physicochemical variation, residue mobility, and thermodynamic stability) indicates that this missense variant is not expected to disrupt GABRB1 protein function with a negative predictive value of 80%. In summary, the available evidence is currently insufficient to determine the role of this variant in disease. Therefore, it has been classified as a Variant of Uncertain Significance.